The following is an entry in ClinVar:

ClinVar aggregate classification (germline): Uncertain significance (1 of 4 stars; one submission).

Conditions:
Generalized epilepsy-paroxysmal dyskinesia syndrome (PNKD3). Also called: Generalized epilepsy and paroxysmal dyskinesia; Paroxysmal nonkinesigenic dyskinesia, 3, with or without generalized epilepsy. Identifiers: Orphanet 79137, MedGen C5574945, MONDO:0012276, OMIM 609446.

Allele frequency attached by ClinVar (database versions not stated): gnomAD 0.00001.
gnomAD v4.1: 1 of 1,548,504 alleles (0.000065%); highest among the groups gnomAD compares: South Asian, 0.0011%; no homozygotes.

Submission:

Labcorp Genetics (formerly Invitae), Labcorp
Classification: Uncertain significance for Generalized epilepsy-paroxysmal dyskinesia syndrome. Last evaluated: 2025-10-07. Review status: criteria provided, single submitter. Criteria: Invitae Variant Classification Sherloc (09022015). Collection method: clinical testing. Allele origin: germline.
Comment: This sequence change falls in intron 6 of the KCNMA1 gene. It does not directly change the encoded amino acid sequence of the KCNMA1 protein. It affects a nucleotide within the consensus splice site. This variant is not present in population databases (gnomAD no frequency). This variant has not been reported in the literature in individuals affected with KCNMA1-related conditions. ClinVar contains an entry for this variant (Variation ID: 1359032). Variants that disrupt the consensus splice site are a relatively common cause of aberrant splicing (PMID: 17576681, 9536098). Algorithms developed to predict the effect of sequence changes on RNA splicing suggest that this variant is not likely to affect RNA splicing. In summary, the available evidence is currently insufficient to determine the role of this variant in disease. Therefore, it has been classified as a Variant of Uncertain Significance.

Literature cited by the submitters: PubMed 17576681; PubMed 9536098.

NM_001161352.2(KCNMA1):c.884+6A>T

Gene: KCNMA1 (potassium calcium-activated channel subfamily M alpha 1; minus strand). Cytogenetic location: 10q22.3.
Variant type: single nucleotide variant.
Coding change: c.884+6A>T on transcript NM_001161352.2 (MANE Select); 6 bases into the intron after coding-DNA position 884, A replaced by T.
Molecular consequence: intron variant.
Genome position (GRCh38, 1-based): chr10:77,120,967, T>A on the plus strand (A>T on the coding strand, the complement: KCNMA1 is on the minus strand). VCF-style: chr10-77120967-T-A. GRCh37 (hg19) VCF-style: chr10-78880725-T-A.
Other names: c.722+6A>T (NM_001271518.2); c.884+6A>T (NM_001322832.2, NM_001322829.2, NM_001014797.3 and 7 more transcripts); c.344+6A>T (NM_001322838.2).
Identifiers: ClinVar variation 1359032 (VCV001359032.8), dbSNP rs2097580351, ClinGen allele CA930166536.